The following is an entry in ClinVar:

ClinVar aggregate classification (germline): Uncertain significance. Review status: criteria provided, multiple submitters, no conflicts (2 of 4 stars). 2 submissions from 2 submitters: Uncertain significance (2). Last evaluated 2025-02-27.

Conditions:
Shprintzen-Goldberg syndrome (SGS). Also called: SHPRINTZEN-GOLDBERG CRANIOSYNOSTOSIS SYNDROME; CRANIOSYNOSTOSIS WITH ARACHNODACTYLY AND ABDOMINAL HERNIAS; Marfanoid disorder with craniosynostosis type 1; Marfanoid craniosynostosis syndrome; Shprintzen-Goldberg marfanoid syndrome. Identifiers: Orphanet 2462, MedGen C1321551, MONDO:0008426, OMIM 182212.
Familial thoracic aortic aneurysm and aortic dissection (TAAD). Also called: Thoracic aortic aneurysms and dissections. Identifiers: Orphanet 91387, MedGen C4707243, MONDO:0019625.

Allele frequency attached by ClinVar (database versions not stated): TOPMed below 0.00001.

Submissions (2):

Ambry Genetics
Classification: Uncertain significance for Familial thoracic aortic aneurysm and aortic dissection. Last evaluated: 2025-02-27. Review status: criteria provided, single submitter. Criteria: Ambry Variant Classification Scheme 2023. Collection method: clinical testing. Allele origin: germline.
Comment: The p.A686G variant (also known as c.2057C>G), located in coding exon 7 of the SKI gene, results from a C to G substitution at nucleotide position 2057. The alanine at codon 686 is replaced by glycine, an amino acid with similar properties. This amino acid position is conserved. In addition, the in silico prediction for this alteration is inconclusive. Based on the available evidence, the clinical significance of this variant remains unclear.

Labcorp Genetics (formerly Invitae), Labcorp
Classification: Uncertain significance for Shprintzen-Goldberg syndrome. Last evaluated: 2022-11-08. Review status: criteria provided, single submitter. Criteria: Invitae Variant Classification Sherloc (09022015). Collection method: clinical testing. Allele origin: germline.
Comment: In summary, the available evidence is currently insufficient to determine the role of this variant in disease. Therefore, it has been classified as a Variant of Uncertain Significance. Advanced modeling of protein sequence and biophysical properties (such as structural, functional, and spatial information, amino acid conservation, physicochemical variation, residue mobility, and thermodynamic stability) performed at Invitae indicates that this missense variant is not expected to disrupt SKI protein function. This variant has not been reported in the literature in individuals affected with SKI-related conditions. This variant is not present in population databases (gnomAD no frequency). This sequence change replaces alanine, which is neutral and non-polar, with glycine, which is neutral and non-polar, at codon 686 of the SKI protein (p.Ala686Gly).

NM_003036.4(SKI):c.2057C>G (p.Ala686Gly)

Gene: SKI (SKI proto-oncogene; plus strand). Cytogenetic location: 1p36.32.
Variant type: single nucleotide variant.
Coding change: c.2057C>G on transcript NM_003036.4 (MANE Select); coding-DNA position 2057, C replaced by G.
Protein change: p.Ala686Gly; replaces alanine 686 with glycine.
Molecular consequence: missense variant.
Genome position (GRCh38, 1-based): chr1:2,306,635, C>G. VCF-style: chr1-2306635-C-G. GRCh37 (hg19) VCF-style: chr1-2238074-C-G.
Other names: c.2057C>G (NM_003036.3); short protein forms A686G.
Identifiers: ClinVar variation 3006042 (VCV003006042.4), dbSNP rs1216955747, ClinGen allele CA337959648.